The following is an entry in ClinVar:

NM_001365999.1(SZT2):c.2646-3T>C

Gene: SZT2 (SZT2 subunit of KICSTOR complex; plus strand). Cytogenetic location: 1p34.2.
Variant type: single nucleotide variant.
Coding change: c.2646-3T>C on transcript NM_001365999.1 (MANE Select); 3 bases into the intron before coding-DNA position 2646, T replaced by C.
Molecular consequence: intron variant.
Genome position (GRCh38, 1-based): chr1:43,425,471, T>C. VCF-style: chr1-43425471-T-C. GRCh37 (hg19) VCF-style: chr1-43891142-T-C.
Other names: c.2646-3T>C (NM_015284.4).
Identifiers: ClinVar variation 588234 (VCV000588234.15), dbSNP rs779987144, ClinGen allele CA808779.

ClinVar aggregate classification (germline): Uncertain significance. Review status: criteria provided, multiple submitters, no conflicts (2 of 4 stars). 3 submissions from 3 submitters: Uncertain significance (3). Last evaluated 2023-04-11.

Conditions:
Inborn genetic diseases. Identifiers: MedGen C0950123, MeSH D030342.
Developmental and epileptic encephalopathy, 18 (DEE18). Also called: Early infantile epileptic encephalopathy 18. Identifiers: Orphanet 369894, MedGen C3809624, MONDO:0014201, OMIM 615476.

Allele frequency attached by ClinVar (database versions not stated): ExAC 0.00001; gnomAD exomes 0.00001.
gnomAD v4.1: 9 of 1,614,100 alleles (0.00056%); highest among the groups gnomAD compares: South Asian, 0.0099%; no homozygotes.

Submissions (3):

Genome-Nilou Lab
Classification: Uncertain significance for Developmental and epileptic encephalopathy, 18. Last evaluated: 2023-04-11. Review status: criteria provided, single submitter. Criteria: ACMG Guidelines, 2015. Collection method: clinical testing. Allele origin: germline. Affected: no.

Labcorp Genetics (formerly Invitae), Labcorp
Classification: Uncertain significance. Last evaluated: 2022-06-20. Review status: criteria provided, single submitter. Criteria: Invitae Variant Classification Sherloc (09022015). Collection method: clinical testing. Allele origin: germline.
Comment: This sequence change falls in intron 18 of the SZT2 gene. It does not directly change the encoded amino acid sequence of the SZT2 protein. It affects a nucleotide within the consensus splice site. This variant is present in population databases (rs779987144, gnomAD 0.01%). This variant has not been reported in the literature in individuals affected with SZT2-related conditions. ClinVar contains an entry for this variant (Variation ID: 588234). Variants that disrupt the consensus splice site are a relatively common cause of aberrant splicing (PMID: 17576681, 9536098). Algorithms developed to predict the effect of sequence changes on RNA splicing suggest that this variant may create or strengthen a splice site. In summary, the available evidence is currently insufficient to determine the role of this variant in disease. Therefore, it has been classified as a Variant of Uncertain Significance.

Ambry Genetics
Classification: Uncertain significance for Inborn genetic diseases. Last evaluated: 2016-09-06. Review status: criteria provided, single submitter. Criteria: Ambry Variant Classification Scheme 2023. Collection method: clinical testing. Allele origin: germline.
Comment: The c.2646-3T>C intronic variant results from a T to C substitution 3 nucleotides upstream from coding exon 19 in the SZT2 gene. This variant was not reported in population based cohorts in the following databases: Database of Single Nucleotide Polymorphisms (dbSNP), NHLBI Exome Sequencing Project (ESP), and 1000 Genomes Project. In the ESP, this variant was not observed in 6503 samples (13006 alleles) with coverage at this position. This nucleotide position is not well conserved in available vertebrate species. Using the BDGP and ESEfinder splice site prediction tools, this alteration is not predicted to have any significant effect on this splice acceptor site; however, direct evidence is unavailable. Since supporting evidence is limited at this time, the clinical significance of this variant remains unclear.

Literature cited by the submitters: PubMed 17576681 (cited by Labcorp Genetics (formerly Invitae), Labcorp); PubMed 9536098 (cited by Labcorp Genetics (formerly Invitae), Labcorp).